The following continues an entry in ClinVar:

NM_000059.4(BRCA2):c.7878G>C (p.Trp2626Cys)

Gene: BRCA2. ClinVar aggregate classification (germline): Pathogenic. Pathogenic (1).

Submissions 8 to 18 of 38:

Mayo Clinic Laboratories, Mayo Clinic
Classification: Pathogenic. Last evaluated: 2025-04-17. Review status: criteria provided, single submitter. Criteria: ACMG Guidelines, 2015. Collection method: clinical testing. Allele origin: germline. Observed: 2 variant alleles. Not counted in ClinVar's aggregate classification.
Comment: PP4_strong, PM3_strong, PS3

Color Diagnostics, LLC DBA Color Health
Classification: Pathogenic for Hereditary cancer-predisposing syndrome. Last evaluated: 2025-03-04. Review status: criteria provided, single submitter. Criteria: ACMG Guidelines, 2015. Collection method: clinical testing. Allele origin: germline. Not counted in ClinVar's aggregate classification.
Comment: This missense variant replaces tryptophan with cysteine at codon 2626 in the DNA binding of the BRCA2 protein. Computational prediction suggests that this variant may have deleterious impact on protein structure and function. Functional studies have shown that this variant showed loss of function in homology-directed repair and DNA damage response assays, a haploid cell proliferation assay and the complementation of Brca2-deficient mouse embryonic stem cells, and it impaired nuclear localization of BRCA2 protein (PMID: 21719596, 23108138, 25146914, 29884841, 29988080, 33978741, 39779857). This variant has been reported in individuals affected with breast or ovarian cancer (PMID: 11802209, 20104584, 21203900, 22666503, 26014432, 27194814) and this variant also has been detected in a breast cancer case-control meta-analysis in 7/60466 cases and 5/53461 unaffected individuals (PMID: 33471991; Leiden Open Variation Database DB-ID BRCA2_000238). In a study of 34 families, this variant has shown reduced penetrance and lower risk of breast cancer compared with other pathogenic variants in the BRCA1 and BRCA2 genes (PMID: 34906479). This variant has also been observed in two unrelated, biallelic individuals affected with Fanconi anemia, who were compound heterozygous with pathogenic variant in the same gene (PMID: 15070707; 16115142, 21138478), indicating that this variant contribute to disease. This variant has been identified in 2/251276 chromosomes in the general population by the Genome Aggregation Database (gnomAD). Based on the available evidence, this variant is classified as Pathogenic with reduced penetrance.

Revvity Omics, Revvity
Classification: Pathogenic. Last evaluated: 2025-02-12. Review status: criteria provided, single submitter. Criteria: ACMG Guidelines, 2015. Collection method: clinical testing. Allele origin: germline. Not counted in ClinVar's aggregate classification.

German Consortium for Hereditary Breast and Ovarian Cancer, University Hospital Cologne
Classification: Pathogenic for Hereditary breast ovarian cancer syndrome. Last evaluated: 2024-11-11. Review status: criteria provided, single submitter. Criteria: ClinGen BRCA2 V1.1.0. Collection method: curation. Allele origin: germline. Not counted in ClinVar's aggregate classification.
Comment: According to the ClinGen ENIGMA BRCA2 v1.1.0 criteria we chose these criteria: PS3 (strong pathogenic): Reported by three calibrated studies to exhibit protein function similar to pathogenic control variants (PMIDs:29988080, 29884841, 32444794), PM3 (medium pathogenic): Kopic et al. 2011, PMID: 21138478 & Wagner et al. 2004, PMID: 15070707 (3pt), PP3 (supporting pathogenic): BayesDel no AF: 0,48, PP4 (strong pathogenic): Combined LR Score (USCS): 48.97788, BS4 (strong benign): Reduced Penetrance???

Blueprint Genetics
Classification: Pathogenic for BRCA2-related disorders. Last evaluated: 2024-10-16. Review status: criteria provided, single submitter. Criteria: ACMG Guidelines, 2015. Collection method: clinical testing. Allele origin: germline. Affected: yes. Observed: 1 variant allele. Not counted in ClinVar's aggregate classification.

Institute of Human Genetics, University of Leipzig Medical Center
Classification: Pathogenic for Breast-ovarian cancer, familial, susceptibility to, 1. Last evaluated: 2024-10-16. Review status: criteria provided, single submitter. Criteria: ACMG Guidelines, 2015. Collection method: clinical testing. Allele origin: unknown. Inheritance: Autosomal dominant inheritance. Affected: yes. Not counted in ClinVar's aggregate classification.
Comment: Criteria applied: PS3, PM3_SUP, PP1_STR, PM2_SUP, PP3

All of Us Research Program, National Institutes of Health
Classification: Pathogenic for BRCA2-related cancer predisposition. Last evaluated: 2024-09-27. Review status: criteria provided, single submitter. Criteria: ACMG Guidelines, 2015. Collection method: clinical testing. Allele origin: germline. Inheritance: Autosomal dominant inheritance. Observed: 1 variant allele, 1 heterozygote. Not counted in ClinVar's aggregate classification.
Comment: This missense variant replaces tryptophan with cysteine at codon 2626 in the DNA binding of the BRCA2 protein. Computational prediction suggests that this variant may have deleterious impact on protein structure and function (internally defined REVEL score threshold >= 0.7, PMID: 27666373). Functional studies have shown that this variant showed loss of function in homology-directed repair and DNA damage response assays and the complementation of Brca2-deficient mouse embryonic stem cells, and it impaired nuclear localization of BRCA2 protein (PMID: 21719596, 23108138, 25146914, 29884841, 29988080, 33978741). This variant has been reported in individuals affected with breast or ovarian cancer (PMID: 11802209, 20104584, 21203900, 22666503, 26014432, 27194814) and this variant also has been detected in a breast cancer case-control meta-analysis in 7/60466 cases and 5/53461 unaffected individuals (PMID: 33471991; Leiden Open Variation Database DB-ID BRCA2_000238). In a study of 34 families, this variant has shown reduced penetrance and lower risk of breast cancer compared with other pathogenic variants in the BRCA1 and BRCA2 genes (PMID: 34906479). This variant has also been observed in two unrelated, biallelic individuals affected with Fanconi anemia, who were compound heterozygous with pathogenic variant in the same gene (PMID: 15070707; 16115142, 21138478), indicating that this variant contribute to disease. This variant has been identified in 2/251276 chromosomes in the general population by the Genome Aggregation Database (gnomAD). Based on the available evidence, this variant is classified as Pathogenic with reduced penetrance.

This study involves interpretation of variants in research participants for the purpose of population health screening. Participant phenotype was not available at the time of variant classification. Additional details can be found in publication PMID: 35346344, PMCID: PMC8962531

Centre for Clinical Genetics and Genomic Diagnostics, Zealand University Hospital
Classification: Pathogenic. Last evaluated: 2024-08-05. Review status: criteria provided, single submitter. Criteria: ACMG Guidelines, 2015. Collection method: clinical testing. Allele origin: germline. Not counted in ClinVar's aggregate classification.

ARUP Laboratories, Molecular Genetics and Genomics, ARUP Laboratories
Classification: Pathogenic. Last evaluated: 2024-07-02. Review status: criteria provided, single submitter. Criteria: ARUP Molecular Germline Variant Investigation Process 2024. Collection method: clinical testing. Allele origin: germline. Not counted in ClinVar's aggregate classification.
Comment: The BRCA2 c.7878G>C; p.Trp2626Cys variant (rs80359013, ClinVar Variation ID: 38125), is reported in the literature in multiple individuals with hereditary breast and ovarian cancer, Fanconi anemia D1, or triple-negative breast cancer (Barber 2005, Heramb 2018, Meyer 2012, Winter 2016). Functional analyses of the variant protein show this variant causes a decrease in BRCA2 protein function (Biswas 2011, Guidugli 2014, Ikegami 2020, Mesman 2019). Furthermore, this variant is reported to have an odds ratio favoring causality of 48:1 based on family history, co-occurrence, and co-segregation data (Easton 2007, Guidugli 2013). This variant is found in the non-Finnish European population with an allele frequency of 0.002% (2/113,590 alleles) in the Genome Aggregation Database (v2.1.1). Additionally, another variant at this codon (c.7876T>C; p.Trp2626Arg) has been reported in individuals with breast cancer and is considered pathogenic (Han 2006). Computational analyses predict that this variant is deleterious (REVEL: 0.908). Based on available information, this variant is considered to be pathogenic. References: Barber LM et al. Inherited FANCD1/BRCA2 exon 7 splice mutations associated with acute myeloid leukaemia in Fanconi anaemia D1 are not found in sporadic childhood leukaemia. Br J Haematol. 2005 Sep;130(5):796-7. PMID: 16115142. Biswas K et al. A comprehensive functional characterization of BRCA2 variants associated with Fanconi anemia using mouse ES cell-based assay. Blood. 2011 Sep 1;118(9):2430-42. PMID: 21719596. Easton DF et al. A systematic genetic assessment of 1,433 sequence variants of unknown clinical significance in the BRCA1 and BRCA2 breast cancer-predisposition genes. Am J Hum Genet. 2007 Nov;81(5):873-83. PMID: 17924331. Guidugli L et al. A classification model for BRCA2 DNA binding domain missense variants based on homology-directed repair activity. Cancer Res. 2013 Jan 1;73(1):265-75. PMID: 23108138. Guidugli L et al. Functional assays for analysis of variants of uncertain significance in BRCA2. Hum Mutat. 2014 Feb;35(2):151-64. PMID: 24323938. Han SH et al. Mutation analysis of BRCA1 and BRCA2 from 793 Korean patients with sporadic breast cancer. Clin Genet. 2006 Dec;70(6):496-501. PMID: 17100994. Heramb C et al. BRCA1 and BRCA2 mutation spectrum - an update on mutation distribution in a large cancer genetics clinic in Norway. Hered Cancer Clin Pract. 2018 Jan 10;16:3. PMID: 29339979. Ikegami M et al. High-throughput functional evaluation of BRCA2 variants of unknown significance. Nat Commun. 2020 May 22;11(1):2573. PMID: 32444794. Mesman RLS et al. The functional impact of variants of uncertain significance in BRCA2. Genet Med. 2019 Feb;21(2):293-302. PMID: 29988080. Meyer P et al. BRCA2 mutations and triple-negative breast cancer. PLoS One. 2012;7(5):e38361. PMID: 22666503. Winter C et al. Targeted sequencing of BRCA1 and BRCA2 across a large unselected breast cancer cohort suggests that one-third of mutations are somatic. Ann Oncol. 2016 Aug;27(8):1532-8. PMID: 27194814.

Department of Clinical Genetics, Copenhagen University Hospital, Rigshospitalet
Classification: Pathogenic for Breast-ovarian cancer, familial, susceptibility to, 2. Last evaluated: 2024-05-27. Review status: criteria provided, single submitter. Criteria: ACMG Guidelines, 2015. Collection method: clinical testing. Allele origin: germline. Affected: yes. Not counted in ClinVar's aggregate classification.
Comment: PS3; PP3; PM1; Expert panel

Molecular Pathology, Peter Maccallum Cancer Centre
Classification: Pathogenic for Breast-ovarian cancer, familial, susceptibility to, 2. Last evaluated: 2024-05-01. Review status: criteria provided, single submitter. Criteria: ACMG Guidelines, 2015. Collection method: clinical testing. Allele origin: germline. Inheritance: Autosomal dominant inheritance. Not counted in ClinVar's aggregate classification.